The following is an entry in ClinVar:

ClinVar aggregate classification (germline): Benign/Likely benign. Review status: criteria provided, multiple submitters, no conflicts (2 of 4 stars). 4 submissions from 4 submitters: Benign (2); Likely benign (2). Last evaluated 2026-03-01.

Allele frequency attached by ClinVar (database versions not stated): gnomAD exomes 0.00070 and 0.00117; gnomAD 0.00072 and 0.00080; TOPMed 0.00086; ExAC 0.00108; 1000 Genomes Project 30x 0.00234; 1000 Genomes Project 0.00300; ESP Exome Variant Server 0.00057.
gnomAD v4.1: 1,213 of 1,614,148 alleles (0.075%); highest among the groups gnomAD compares: Middle Eastern, 0.46%; 7 homozygotes.

Submissions (4):

CeGaT Center for Human Genetics Tuebingen
Classification: Likely benign. Last evaluated: 2026-03-01. Review status: criteria provided, single submitter. Criteria: CeGaT Center For Human Genetics Tuebingen Variant Classification Criteria Version 2. Collection method: clinical testing. Allele origin: germline. Affected: yes. Observed: 7 variant alleles.
Comment: KDM5A: BP4

Blueprint Genetics
Classification: Likely benign. Last evaluated: 2024-10-29. Review status: criteria provided, single submitter. Criteria: ACMG Guidelines, 2015. Collection method: clinical testing. Allele origin: germline.

Labcorp Genetics (formerly Invitae), Labcorp
Classification: Benign. Last evaluated: 2019-12-31. Review status: criteria provided, single submitter. Criteria: Invitae Variant Classification Sherloc (09022015). Collection method: clinical testing. Allele origin: germline.

Breakthrough Genomics
Classification: Benign. Review status: criteria provided, single submitter. Criteria: ACMG Guidelines, 2015. Collection method: not provided. Allele origin: germline. Inheritance: Unknown mechanism. Affected: yes.

NM_001042603.3(KDM5A):c.3540C>T (p.Cys1180=)

Genes: KDM5A (lysine demethylase 5A; minus strand), LOC126861410 (BRD4-independent group 4 enhancer GRCh37_chr12:415875-417074; plus strand). Cytogenetic location: 12p13.33.
Variant type: single nucleotide variant.
Coding change: c.3540C>T on transcript NM_001042603.3 (MANE Select); coding-DNA position 3540, C replaced by T.
Protein change: p.Cys1180=; no amino-acid change (cysteine 1180 retained).
Molecular consequence: synonymous variant.
Genome position (GRCh38, 1-based): chr12:307,844, G>A on the plus strand (C>T on the coding strand, the complement: KDM5A is on the minus strand). VCF-style: chr12-307844-G-A. GRCh37 (hg19) VCF-style: chr12-417010-G-A.
Identifiers: ClinVar variation 778567 (VCV000778567.16), dbSNP rs148769146, ClinGen allele CA6378777.